The following is an entry in ClinVar:

NM_001378454.1(ALMS1):c.1457_1459delinsTT (p.Ala486fs)

Gene: ALMS1 (ALMS1 centrosome and basal body associated protein; plus strand). Cytogenetic location: 2p13.1.
Variant type: Indel.
Coding change: c.1457_1459delinsTT on transcript NM_001378454.1 (MANE Select); coding-DNA positions 1457 to 1459, CTA replaced by TT.
Protein change: p.Ala486fs; shifts the reading frame from alanine 486.
Molecular consequence: frameshift variant.
Genome position (GRCh38, 1-based): chr2:73,447,984-73,447,986, CTA replaced by TT. VCF-style: chr2-73447984-CTA-TT. GRCh37 (hg19) VCF-style: chr2-73675114-CTA-TT.
Other names: c.1460_1462delinsTT, p.Ala487fs (NM_015120.4); short protein forms A486fs, A487fs.
Identifiers: ClinVar variation 4292613 (VCV004292613.1).

ClinVar aggregate classification (germline): Pathogenic (1 of 4 stars; one submission).

Conditions:
Alstrom syndrome (ALMS). Identifiers: Orphanet 64, MedGen C0268425, MONDO:0008763, OMIM 203800.

Submission:

3billion
Classification: Pathogenic for Alstrom syndrome. Last evaluated: 2024-12-05. Review status: criteria provided, single submitter. Criteria: ACMG Guidelines, 2015. Collection method: clinical testing. Allele origin: germline. Affected: yes.
Comment: The variant is not observed in the gnomAD v4.1.0 dataset. Predicted Consequence/Location: Frameshift: predicted to result in a loss or disruption of normal protein function through nonsense-mediated decay (NMD) or protein truncation. Multiple pathogenic variants are reported downstream of the variant. The variant was homozygous. Therefore, this variant is classified as Pathogenic according to the recommendation of ACMG/AMP guideline.